The following is an entry in ClinVar:

ClinVar aggregate classification (germline): Pathogenic (1 of 4 stars; one submission).

Allele frequency attached by ClinVar (database versions not stated): gnomAD 0.00001.

Submission:

Labcorp Genetics (formerly Invitae), Labcorp
Classification: Pathogenic. Last evaluated: 2022-08-01. Review status: criteria provided, single submitter. Criteria: Invitae Variant Classification Sherloc (09022015). Collection method: clinical testing. Allele origin: germline.
Comment: This variant is present in population databases (no rsID available, gnomAD 0.01%). This variant has not been reported in the literature in individuals affected with PEX11B-related conditions. For these reasons, this variant has been classified as Pathogenic. This sequence change creates a premature translational stop signal (p.Ala37Serfs*4) in the PEX11B gene. It is expected to result in an absent or disrupted protein product. Loss-of-function variants in PEX11B are known to be pathogenic (PMID: 22581968, 26233629, 28129423).

Literature cited by the submitters: PubMed 22581968; PubMed 26233629; PubMed 28129423.

NM_003846.3(PEX11B):c.108dup (p.Ala37fs)

Gene: PEX11B (peroxisomal biogenesis factor 11 beta; minus strand). Cytogenetic location: 1q21.1.
Variant type: Duplication.
Coding change: c.108dup on transcript NM_003846.3 (MANE Select); coding-DNA position 108, one base duplicated (A; older notation c.108dupA).
Protein change: p.Ala37fs; shifts the reading frame from alanine 37.
Molecular consequence: frameshift variant. On other transcripts: non-coding transcript variant (3).
Genome position (GRCh38, 1-based): chr1:145,917,765, T duplicated on the plus strand (A on the coding strand, the reverse complement: PEX11B is on the minus strand). VCF-style (leftmost placement, unchanged base first): chr1-145917764-C-CT. GRCh37 (hg19) VCF-style: chr1-145517323-G-GA.
Other names: c.66dup, p.Ala23fs (NM_001184795.1); short protein forms A37fs, A23fs.
Identifiers: ClinVar variation 2041842 (VCV002041842.4), dbSNP rs1553754165, ClinGen allele CA525911255.